The following is an entry in ClinVar:

ClinVar aggregate classification (germline): Uncertain significance (1 of 4 stars; one submission).

Conditions:
Ataxia-telangiectasia syndrome (AT). Also called: Ataxia-telangiectasia, complementation group D; AT, COMPLEMENTATION GROUP C; Ataxia-telangiectasia; Ataxia telangiectasia (A-T); Cerebello-oculocutaneous telangiectasia; Immunodeficiency with ataxia telangiectasia. Identifiers: Orphanet 100, MedGen C0004135, MONDO:0008840, OMIM 208900.

Allele frequency attached by ClinVar (database versions not stated): gnomAD exomes below 0.00001.
gnomAD v4.1: 1 of 1,613,486 alleles (0.000062%); highest among the groups gnomAD compares: South Asian, 0.0011%; no homozygotes.

Submission:

Labcorp Genetics (formerly Invitae), Labcorp
Classification: Uncertain significance for Ataxia-telangiectasia syndrome. Last evaluated: 2022-07-21. Review status: criteria provided, single submitter. Criteria: Invitae Variant Classification Sherloc (09022015). Collection method: clinical testing. Allele origin: germline.
Comment: Algorithms developed to predict the effect of sequence changes on RNA splicing suggest that this variant may disrupt the consensus splice site. In summary, the available evidence is currently insufficient to determine the role of this variant in disease. Therefore, it has been classified as a Variant of Uncertain Significance. This variant has not been reported in the literature in individuals affected with ATM-related conditions. This sequence change falls in intron 8 of the ATM gene. It does not directly change the encoded amino acid sequence of the ATM protein. This variant is not present in population databases (gnomAD no frequency).

NM_000051.4(ATM):c.1065+11T>C

Gene: ATM (ATM serine/threonine kinase; plus strand). Cytogenetic location: 11q22.3.
Variant type: single nucleotide variant.
Coding change: c.1065+11T>C on transcript NM_000051.4 (MANE Select); 11 bases into the intron after coding-DNA position 1065, T replaced by C.
Molecular consequence: intron variant.
Genome position (GRCh38, 1-based): chr11:108,247,138, T>C. VCF-style: chr11-108247138-T-C. GRCh37 (hg19) VCF-style: chr11-108117865-T-C.
Other names: c.1065+11T>C (NM_001351834.2).
Identifiers: ClinVar variation 1948809 (VCV001948809.5), dbSNP rs2135270049, ClinGen allele CA2580083746.